The following is an entry in ClinVar:

ClinVar aggregate classification (germline): Benign (1 of 4 stars; one submission).

Conditions:
Familial cancer of breast. Also called: BREAST CANCER, FAMILIAL; Hereditary breast cancer; hereditary breast carcinoma. Identifiers: Orphanet 227535, MedGen C0346153, MONDO:0016419, OMIM 114480. Disease mechanism: loss of function.

Submission:

Myriad Genetics, Inc.
Classification: Benign for Familial cancer of breast. Last evaluated: 2024-05-16. Review status: criteria provided, single submitter. Criteria: Myriad Autosomal Dominant, Autosomal Recessive and X-Linked Classification Criteria (2023). Collection method: clinical testing. Allele origin: unknown.
Comment: This variant is considered benign. This variant is a silent/synonymous amino acid change and it is not expected to impact splicing.

NM_000051.4(ATM):c.4137T>C (p.Pro1379=)

Gene: ATM (ATM serine/threonine kinase; plus strand). Cytogenetic location: 11q22.3.
Variant type: single nucleotide variant.
Coding change: c.4137T>C on transcript NM_000051.4 (MANE Select); coding-DNA position 4137, T replaced by C.
Protein change: p.Pro1379=; no amino-acid change (proline 1379 retained).
Molecular consequence: synonymous variant.
Genome position (GRCh38, 1-based): chr11:108,289,004, T>C. VCF-style: chr11-108289004-T-C. GRCh37 (hg19) VCF-style: chr11-108159731-T-C.
Other names: c.4137T>C, p.Pro1379= (NM_001351834.2).
Identifiers: ClinVar variation 3253826 (VCV003253826.1), dbSNP rs2135751217.